The following is an entry in ClinVar:

NM_004100.5(EYA4):c.238G>A (p.Asp80Asn)

Gene: EYA4 (EYA transcriptional coactivator and phosphatase 4; plus strand). Cytogenetic location: 6q23.2.
Variant type: single nucleotide variant.
Coding change: c.238G>A on transcript NM_004100.5 (MANE Select); coding-DNA position 238, G replaced by A.
Protein change: p.Asp80Asn; replaces aspartic acid 80 with asparagine.
Molecular consequence: missense variant. On other transcripts: intron variant (4).
Genome position (GRCh38, 1-based): chr6:133,448,140, G>A. VCF-style: chr6-133448140-G-A. GRCh37 (hg19) VCF-style: chr6-133769278-G-A.
Other names: c.238G>A, p.Asp80Asn (NM_001301013.2, NM_172105.4); c.208+1386G>A (NM_001370458.1, NM_172103.4, NM_001370459.1 and 1 more transcripts); short protein forms D80N.
Identifiers: ClinVar variation 2625469 (VCV002625469.2), dbSNP rs2534358091, ClinGen allele CA365838241.
Genomic context (GRCh38, chr6:133,448,140, plus strand): 5'-CAATGAACTTTTATACTGTTCCTGTTCTCAGGGGAAAACATGACTGTTTTAAACACAGCA[G>A]ACTGGTTGCTGAGTTGCAACACCCCCTCTTCTGCAACAAGTATGAGAGATGCTGGTACAC-3'
Protein context (NP_004091.3, residues 70-90): GENMTVLNTA[Asp80Asn]WLLSCNTPSS

ClinVar aggregate classification (germline): Uncertain significance (1 of 4 stars; one submission).

Conditions:
Cardiovascular phenotype. Identifiers: MedGen CN230736.

Allele frequency attached by ClinVar (database versions not stated): gnomAD exomes below 0.00001.

Submission:

Ambry Genetics
Classification: Uncertain significance for Cardiovascular phenotype. Last evaluated: 2023-08-29. Review status: criteria provided, single submitter. Criteria: Ambry Variant Classification Scheme 2023. Collection method: clinical testing. Allele origin: germline.
Comment: The p.D80N variant (also known as c.238G>A), located in coding exon 4 of the EYA4 gene, results from a G to A substitution at nucleotide position 238. The aspartic acid at codon 80 is replaced by asparagine, an amino acid with highly similar properties. This amino acid position is conserved. In addition, this alteration is predicted to be tolerated by in silico analysis. Since supporting evidence is limited at this time, the clinical significance of this alteration remains unclear.